The following is an entry in ClinVar:

NM_006218.4(PIK3CA):c.2081C>T (p.Ala694Val)

Gene: PIK3CA (phosphatidylinositol-4,5-bisphosphate 3-kinase catalytic subunit alpha; plus strand). Cytogenetic location: 3q26.32.
Variant type: single nucleotide variant.
Coding change: c.2081C>T on transcript NM_006218.4 (MANE Select); coding-DNA position 2081, C replaced by T.
Protein change: p.Ala694Val; replaces alanine 694 with valine.
Molecular consequence: missense variant.
Genome position (GRCh38, 1-based): chr3:179,221,051, C>T. VCF-style: chr3-179221051-C-T. GRCh37 (hg19) VCF-style: chr3-178938839-C-T.
Other names: short protein forms A694V.
Identifiers: ClinVar variation 1785570 (VCV001785570.2), dbSNP rs754404652, ClinGen allele CA2710877.

ClinVar aggregate classification (germline): Uncertain significance (1 of 4 stars; one submission).

Conditions:
Inborn genetic diseases. Identifiers: MedGen C0950123, MeSH D030342.

Allele frequency attached by ClinVar (database versions not stated): ExAC 0.00001.

Submission:

Ambry Genetics
Classification: Uncertain significance for Inborn genetic diseases. Last evaluated: 2021-09-30. Review status: criteria provided, single submitter. Criteria: Ambry Variant Classification Scheme 2023. Collection method: clinical testing. Allele origin: germline.
Comment: The p.A694V variant (also known as c.2081C>T), located in coding exon 13 of the PIK3CA gene, results from a C to T substitution at nucleotide position 2081. The alanine at codon 694 is replaced by valine, an amino acid with similar properties. This amino acid position is conserved. In addition, the in silico prediction for this alteration is inconclusive. Since supporting evidence is limited at this time, the clinical significance of this alteration remains unclear.